The following is an entry in ClinVar:

NM_001366145.2(TRPM3):c.4477G>C (p.Glu1493Gln)

Genes: KLF9-DT (KLF9 divergent transcript; plus strand), TRPM3 (transient receptor potential cation channel subfamily M member 3; minus strand). Cytogenetic location: 9q21.12.
Variant type: single nucleotide variant.
Coding change: c.4477G>C on transcript NM_001366145.2 (MANE Select); coding-DNA position 4477, G replaced by C.
Protein change: p.Glu1493Gln; replaces glutamic acid 1493 with glutamine.
Molecular consequence: missense variant. On other transcripts: intron variant (8).
Genome position (GRCh38, 1-based): chr9:70,536,636, C>G on the plus strand (G>C on the coding strand, the complement: TRPM3 is on the minus strand). VCF-style: chr9-70536636-C-G. GRCh37 (hg19) VCF-style: chr9-73151552-C-G.
Other names: c.4441G>C, p.Glu1481Gln (NM_001007471.4); c.4447G>C, p.Glu1483Gln (NM_001366141.2, NM_001366149.2); c.4552G>C, p.Glu1518Gln (NM_001366147.2); c.3982G>C, p.Glu1328Gln (NM_020952.6); c.4018G>C, p.Glu1340Gln (NM_024971.7); c.3952G>C, p.Glu1318Gln (NM_206944.5); c.3988G>C, p.Glu1330Gln (NM_206945.5); c.4057G>C, p.Glu1353Gln (NM_206946.5); and 9 more; short protein forms E1318Q, E1328Q, E1330Q, E1340Q, E1343Q, E1353Q, E1481Q, E1483Q.
Identifiers: ClinVar variation 3048440 (VCV003048440.2), dbSNP rs150378459, ClinGen allele CA5077801.

ClinVar aggregate classification (germline): Likely benign (0 of 4 stars; one submission).

Conditions:
TRPM3-related disorder. Also called: TRPM3-related condition.

Allele frequency attached by ClinVar (database versions not stated): ESP Exome Variant Server 0.00008; 1000 Genomes Project 30x 0.00031; 1000 Genomes Project 0.00040.
gnomAD v4.1: 822 of 1,614,022 alleles (0.051%); highest among the groups gnomAD compares: South Asian, 0.25%; 3 homozygotes.

Submission:

PreventionGenetics, part of Exact Sciences
Classification: Likely benign for TRPM3-related condition. Last evaluated: 2022-05-10. Review status: no assertion criteria provided. Collection method: clinical testing. Allele origin: germline.
Comment: This variant is classified as likely benign based on ACMG/AMP sequence variant interpretation guidelines (Richards et al. 2015 PMID: 25741868, with internal and published modifications).